The following is an entry in ClinVar:

NM_199420.4(POLQ):c.4273G>A (p.Glu1425Lys)

Gene: POLQ (DNA polymerase theta; minus strand). Cytogenetic location: 3q13.33.
Variant type: single nucleotide variant.
Coding change: c.4273G>A on transcript NM_199420.4 (MANE Select); coding-DNA position 4273, G replaced by A.
Protein change: p.Glu1425Lys; replaces glutamic acid 1425 with lysine.
Molecular consequence: missense variant.
Genome position (GRCh38, 1-based): chr3:121,488,658, C>T on the plus strand (G>A on the coding strand, the complement: POLQ is on the minus strand). VCF-style: chr3-121488658-C-T. GRCh37 (hg19) VCF-style: chr3-121207505-C-T.
Other names: short protein forms E1425K.
Identifiers: ClinVar variation 2448969 (VCV002448969.2), dbSNP rs2048035361, ClinGen allele CA354095531.

ClinVar aggregate classification (germline): Uncertain significance (1 of 4 stars; one submission).

Allele frequency attached by ClinVar (database versions not stated): gnomAD exomes below 0.00001; TOPMed 0.00001.
gnomAD v4.1: 2 of 1,604,122 alleles (0.00012%); highest among the groups gnomAD compares: Non-Finnish European, 0.00017%; no homozygotes.

Submission:

Ambry Genetics
Classification: Uncertain significance. Last evaluated: 2023-01-05. Review status: criteria provided, single submitter. Criteria: Ambry Variant Classification Scheme 2023. Collection method: clinical testing. Allele origin: germline.
Comment: The p.E1425K variant (also known as c.4273G>A), located in coding exon 16 of the POLQ gene, results from a G to A substitution at nucleotide position 4273. The glutamic acid at codon 1425 is replaced by lysine, an amino acid with similar properties. This amino acid position is conserved. In addition, this alteration is predicted to be tolerated by in silico analysis. Since supporting evidence is limited at this time, the clinical significance of this alteration remains unclear.